The following is an entry in ClinVar:

ClinVar aggregate classification (germline): Uncertain significance. Review status: criteria provided, multiple submitters, no conflicts (2 of 4 stars). 2 submissions from 2 submitters: Uncertain significance (2). Last evaluated 2026-02-01.

Allele frequency attached by ClinVar (database versions not stated): TOPMed below 0.00001.

Submissions (2):

Dasa
Classification: Uncertain significance. Last evaluated: 2026-02-01. Review status: criteria provided, single submitter. Criteria: DASA Assertion Criteria. Collection method: clinical testing. Allele origin: germline.
Comment: NM_182931.3(KMT2E):c.5296A>G (p.Thr1766Ala) is a missense variant that results in the substitution of threonine with alanine. This variant is absent from population databases. The currently available literature and clinical evidence are not sufficient to establish a definitive association between this variant and the reported condition. Therefore, this variant is classified as a variant of uncertain significance.

Labcorp Genetics (formerly Invitae), Labcorp
Classification: Uncertain significance. Last evaluated: 2024-05-15. Review status: criteria provided, single submitter. Criteria: Invitae Variant Classification Sherloc (09022015). Collection method: clinical testing. Allele origin: germline.
Comment: This sequence change replaces threonine, which is neutral and polar, with alanine, which is neutral and non-polar, at codon 1766 of the KMT2E protein (p.Thr1766Ala). This variant is not present in population databases (gnomAD no frequency). This variant has not been reported in the literature in individuals affected with KMT2E-related conditions. ClinVar contains an entry for this variant (Variation ID: 1714481). Algorithms developed to predict the effect of missense changes on protein structure and function output the following: SIFT: "Not Available"; PolyPhen-2: "Benign"; Align-GVGD: "Not Available". The alanine amino acid residue is found in multiple mammalian species, which suggests that this missense change does not adversely affect protein function. In summary, the available evidence is currently insufficient to determine the role of this variant in disease. Therefore, it has been classified as a Variant of Uncertain Significance.

NM_182931.3(KMT2E):c.5296A>G (p.Thr1766Ala)

Gene: KMT2E (lysine methyltransferase 2E (inactive); plus strand). Cytogenetic location: 7q22.3.
Variant type: single nucleotide variant.
Coding change: c.5296A>G on transcript NM_182931.3 (MANE Select); coding-DNA position 5296, A replaced by G.
Protein change: p.Thr1766Ala; replaces threonine 1766 with alanine.
Molecular consequence: missense variant.
Genome position (GRCh38, 1-based): chr7:105,113,052, A>G. VCF-style: chr7-105113052-A-G. GRCh37 (hg19) VCF-style: chr7-104753499-A-G.
Other names: c.5170A>G, p.Thr1724Ala (NM_001410908.1); c.5296A>G, p.Thr1766Ala (NM_018682.4); short protein forms T1724A, T1766A.
Identifiers: ClinVar variation 1714481 (VCV001714481.7), dbSNP rs949026208, ClinGen allele CA164024939.